The following is an entry in ClinVar:

ClinVar aggregate classification (germline): Uncertain significance. Review status: criteria provided, multiple submitters, no conflicts (2 of 4 stars). 2 submissions from 2 submitters: Uncertain significance (2). Last evaluated 2024-03-11.

Conditions:
Hereditary cancer-predisposing syndrome. Also called: Hereditary Cancer Syndrome; Hereditary neoplastic syndrome; Neoplastic Syndromes, Hereditary; Tumor predisposition. Identifiers: Orphanet 140162, MedGen C0027672, MeSH D009386, MONDO:0015356.

Allele frequency attached by ClinVar (database versions not stated): gnomAD exomes below 0.00001; TOPMed 0.00001.
gnomAD v4.1: 1 of 1,590,370 alleles (0.000063%); highest among the groups gnomAD compares: African/African-American, 0.0014%; no homozygotes.

Submissions (2):

Ambry Genetics
Classification: Uncertain significance for Hereditary cancer-predisposing syndrome. Last evaluated: 2024-03-11. Review status: criteria provided, single submitter. Criteria: Ambry Variant Classification Scheme 2023. Collection method: clinical testing. Allele origin: germline.
Comment: The p.N886H variant (also known as c.2656A>C), located in coding exon 10 of the BRCA2 gene, results from an A to C substitution at nucleotide position 2656. The asparagine at codon 886 is replaced by histidine, an amino acid with similar properties. This amino acid position is conserved. In addition, this alteration is predicted to be tolerated by in silico analysis. Based on the available evidence, the clinical significance of this alteration remains unclear.

Women's Health and Genetics/Laboratory Corporation of America, LabCorp
Classification: Uncertain significance. Last evaluated: 2023-03-07. Review status: criteria provided, single submitter. Criteria: LabCorp Variant Classification Summary - May 2015. Collection method: clinical testing. Allele origin: germline.
Comment: Variant summary: BRCA2 c.2656A>C (p.Asn886His) results in a conservative amino acid change located in the NPM1-interacting region (UniProt) of the encoded protein sequence. Four of five in-silico tools predict a benign effect of the variant on protein function. The variant allele was found at a frequency of 4.3e-06 in 231126 control chromosomes (gnomAD). The available data on variant occurrences in the general population are insufficient to allow any conclusion about variant significance. To our knowledge, no occurrence of c.2656A>C in individuals affected with Hereditary Breast and Ovarian Cancer Syndrome and no experimental evidence demonstrating its impact on protein function have been reported. No clinical diagnostic laboratories have submitted clinical-significance assessments for this variant to ClinVar after 2014. Based on the evidence outlined above, the variant was classified as uncertain significance.

NM_000059.4(BRCA2):c.2656A>C (p.Asn886His)

Gene: BRCA2 (BRCA2 DNA repair associated; plus strand). Cytogenetic location: 13q13.1.
Variant type: single nucleotide variant.
Coding change: c.2656A>C on transcript NM_000059.4 (MANE Select); coding-DNA position 2656, A replaced by C.
Protein change: p.Asn886His; replaces asparagine 886 with histidine.
Molecular consequence: missense variant. On other transcripts: non-coding transcript variant (1), intron variant (2).
Genome position (GRCh38, 1-based): chr13:32,337,011, A>C. VCF-style: chr13-32337011-A-C. GRCh37 (hg19) VCF-style: chr13-32911148-A-C.
Other names: c.2656A>C, p.Asn886His (NM_001406719.1, NM_001406720.1); c.1909+3624A>C (NM_001406721.1); c.424+5981A>C (NM_001406722.1); short protein forms N886H.
Identifiers: ClinVar variation 2501276 (VCV002501276.2), dbSNP rs1205280922, ClinGen allele CA387773323.